The following is an entry in ClinVar:

NM_004247.4(EFTUD2):c.1608G>A (p.Arg536=)

Gene: EFTUD2 (elongation factor Tu GTP binding domain containing 2; minus strand). Cytogenetic location: 17q21.31.
Variant type: single nucleotide variant.
Coding change: c.1608G>A on transcript NM_004247.4 (MANE Select); coding-DNA position 1608, G replaced by A.
Protein change: p.Arg536=; no amino-acid change (arginine 536 retained).
Molecular consequence: synonymous variant.
Genome position (GRCh38, 1-based): chr17:44,860,543, C>T on the plus strand (G>A on the coding strand, the complement: EFTUD2 is on the minus strand). VCF-style: chr17-44860543-C-T. GRCh37 (hg19) VCF-style: chr17-42937911-C-T.
Other names: c.1503G>A, p.Arg501= (NM_001142605.2); c.1608G>A, p.Arg536= (NM_001258353.2); c.1578G>A, p.Arg526= (NM_001258354.2).
Identifiers: ClinVar variation 2967854 (VCV002967854.3), dbSNP rs766359164, ClinGen allele CA8607721.
Genomic context (GRCh38, chr17:44,860,543, plus strand): 5'-ATCAACACCTTCAATCAGAACCCAGTTGCCAGCAGGAACACGGTTCACCTCGATGTGGTA[C>T]CTGAAGCAATGTCCAATAAGCAGCAGTGAAACTTAGGCAGAGCATTCCCTAATTTTTTTT-3'
Protein context (NP_004238.3, residues 526-546): TVGRLWISVA[Arg536=]YHIEVNRVPA

ClinVar aggregate classification (germline): Uncertain significance (1 of 4 stars; one submission).

Allele frequency attached by ClinVar (database versions not stated): gnomAD exomes below 0.00001; TOPMed 0.00002; ExAC 0.00001.

Submission:

Labcorp Genetics (formerly Invitae), Labcorp
Classification: Uncertain significance. Last evaluated: 2025-03-31. Review status: criteria provided, single submitter. Criteria: Invitae Variant Classification Sherloc (09022015). Collection method: clinical testing. Allele origin: germline.
Comment: This sequence change affects codon 536 of the EFTUD2 mRNA. It is a 'silent' change, meaning that it does not change the encoded amino acid sequence of the EFTUD2 protein. It affects a nucleotide within the consensus splice site. This variant is present in population databases (rs766359164, gnomAD 0.02%). This variant has not been reported in the literature in individuals affected with EFTUD2-related conditions. ClinVar contains an entry for this variant (Variation ID: 2967854). Algorithms developed to predict the effect of sequence changes on RNA splicing suggest that this variant is not likely to affect RNA splicing. In summary, the available evidence is currently insufficient to determine the role of this variant in disease. Therefore, it has been classified as a Variant of Uncertain Significance.